The following is an entry in ClinVar:

ClinVar aggregate classification (germline): Uncertain significance (1 of 4 stars; one submission).

Conditions:
Inborn genetic diseases. Identifiers: MedGen C0950123, MeSH D030342.

Submission:

Ambry Genetics
Classification: Uncertain significance for Inborn genetic diseases. Last evaluated: 2025-04-20. Review status: criteria provided, single submitter. Criteria: Ambry Variant Classification Scheme 2023. Collection method: clinical testing. Allele origin: germline.
Comment: The p.P1242S variant (also known as c.3724C>T), located in coding exon 1 of the SAMD9L gene, results from a C to T substitution at nucleotide position 3724. The proline at codon 1242 is replaced by serine, an amino acid with similar properties. This amino acid position is conserved. In addition, this alteration is predicted to be tolerated by in silico analysis. Based on the available evidence, the clinical significance of this variant remains unclear.

NM_152703.5(SAMD9L):c.3724C>T (p.Pro1242Ser)

Gene: SAMD9L (sterile alpha motif domain containing 9 like; minus strand). Cytogenetic location: 7q21.2.
Variant type: single nucleotide variant.
Coding change: c.3724C>T on transcript NM_152703.5 (MANE Select); coding-DNA position 3724, C replaced by T.
Protein change: p.Pro1242Ser; replaces proline 1242 with serine.
Molecular consequence: missense variant.
Genome position (GRCh38, 1-based): chr7:93,132,248, G>A on the plus strand (C>T on the coding strand, the complement: SAMD9L is on the minus strand). VCF-style: chr7-93132248-G-A. GRCh37 (hg19) VCF-style: chr7-92761561-G-A.
Other names: c.3724C>T, p.Pro1242Ser (NM_001303496.3, NM_001303497.3, NM_001303498.3 and 5 more transcripts); short protein forms P1242S.
Identifiers: ClinVar variation 3949865 (VCV003949865.1).